The following is an entry in ClinVar:

ClinVar aggregate classification (germline): Uncertain significance (1 of 4 stars; one submission).

Conditions:
Familial temporal lobe epilepsy 7. Identifiers: Orphanet 101046, MedGen C4225327, MONDO:0014639, OMIM 616436.
Norman-Roberts syndrome (LIS2). Also called: Lissencephaly 2 (Norman-Roberts type). Identifiers: Orphanet 89844, MedGen C0796089, MONDO:0009760, OMIM 257320.

gnomAD v4.1: 2 of 1,613,938 alleles (0.00012%); highest among the groups gnomAD compares: African/African-American, 0.0027%; no homozygotes.

Submission:

Labcorp Genetics (formerly Invitae), Labcorp
Classification: Uncertain significance for Familial temporal lobe epilepsy 7; Norman-Roberts syndrome. Last evaluated: 2024-03-03. Review status: criteria provided, single submitter. Criteria: Invitae Variant Classification Sherloc (09022015). Collection method: clinical testing. Allele origin: germline.
Comment: This sequence change falls in intron 43 of the RELN gene. It does not directly change the encoded amino acid sequence of the RELN protein. It affects a nucleotide within the consensus splice site. This variant is not present in population databases (gnomAD no frequency). This variant has not been reported in the literature in individuals affected with RELN-related conditions. Variants that disrupt the consensus splice site are a relatively common cause of aberrant splicing (PMID: 17576681, 9536098). Algorithms developed to predict the effect of sequence changes on RNA splicing suggest that this variant is not likely to affect RNA splicing. In summary, the available evidence is currently insufficient to determine the role of this variant in disease. Therefore, it has been classified as a Variant of Uncertain Significance.

Literature cited by the submitters: PubMed 17576681; PubMed 9536098.

NM_005045.4(RELN):c.6671+5T>C

Gene: RELN (reelin; minus strand). Cytogenetic location: 7q22.1.
Variant type: single nucleotide variant.
Coding change: c.6671+5T>C on transcript NM_005045.4 (MANE Select); 5 bases into the intron after coding-DNA position 6671, T replaced by C.
Molecular consequence: intron variant.
Genome position (GRCh38, 1-based): chr7:103,542,726, A>G on the plus strand (T>C on the coding strand, the complement: RELN is on the minus strand). VCF-style: chr7-103542726-A-G. GRCh37 (hg19) VCF-style: chr7-103183173-A-G.
Other names: c.6671+5T>C (NM_173054.3).
Identifiers: ClinVar variation 3752150 (VCV003752150.2).
Genomic context (GRCh38, chr7:103,542,726, plus strand): 5'-TTGATTATGTTCTGCTATTATACATTACGATGTGGTTTTTTTCAACAGCATCTAAAAATG[A>G]TTACCTAGCATGTGATAAATCCAGGTCTCGTGTCATCAACATGCGCAAGCCATCTTCATT-3'